The following is an entry in ClinVar:

NC_000020.11:g.(?_63413450)_(63415126_?)del

Gene: KCNQ2 (potassium voltage-gated channel subfamily Q member 2; minus strand). Cytogenetic location: 20q13.33.
Variant type: Deletion.
Identifiers: ClinVar variation 369796 (VCV000369796.1).

ClinVar aggregate classification (germline): Pathogenic (0 of 4 stars; one submission).

Conditions:
Seizures, benign familial neonatal, 1. Also called: KCNQ2-Related Benign Familial Neonatal Epilepsy; Benign Neonatal Epilepsy 1; KCNQ2-Related Self-Limited Familial Neonatal Epilepsy (SLFNE); Seizures, benign neonatal, 1. Identifiers: Orphanet 1949, MedGen C3149074, MONDO:0007365, OMIM 121200.

Submission:

GeneReviews
Classification: Pathogenic for Seizures, benign familial neonatal, 1. Last evaluated: 2016-03-31. Review status: no assertion criteria provided. Collection method: literature only. Allele origin: germline. Affected: yes.
Comment: BFNE (benign familial neonatal epilepsy)

This is a submicroscopic deletion and the exact boundaries have not been determined.

Literature cited by the submitters: PubMed 17675531; PubMed 25982755.